The following is an entry in ClinVar:

NM_001572.5(IRF7):c.1235A>G (p.Gln412Arg)

Gene: IRF7 (interferon regulatory factor 7; minus strand). Cytogenetic location: 11p15.5.
Variant type: single nucleotide variant.
Coding change: c.1235A>G on transcript NM_001572.5 (MANE Select); coding-DNA position 1235, A replaced by G.
Protein change: p.Gln412Arg; replaces glutamine 412 with arginine.
Molecular consequence: missense variant.
Genome position (GRCh38, 1-based): chr11:613,208, T>C on the plus strand (A>G on the coding strand, the complement: IRF7 is on the minus strand). VCF-style: chr11-613208-T-C. GRCh37 (hg19) VCF-style: chr11-613208-T-C.
Other names: p.Gln425Arg; c.1148A>G, p.Gln383Arg (NM_004029.4); c.1274A>G, p.Gln425Arg (NM_004031.4); c.1274A>G (NM_004031.2); short protein forms Q383R, Q412R, Q425R.
Identifiers: ClinVar variation 1170386 (VCV001170386.16), dbSNP rs1131665, ClinGen allele CA5783544.
Genomic context (GRCh38, chr11:613,208, plus strand): 5'-CAGGCAGGTGCTCCCAAGGACCCCTGGAGACAGCCCCCCAGGCAAGGGCCTCACTGACCT[T>C]GGAAGAAGACTCTGAAGTCGAAGATGGGGGTGTCACAGTTCCGAGGCAGCAGGCAGGCTG-3'
Protein context (NP_001563.2, residues 402-422): TPIFDFRVFF[Gln412Arg]ELVEFRARQR

ClinVar aggregate classification (germline): Benign. Review status: criteria provided, multiple submitters, no conflicts (2 of 4 stars). 5 submissions from 5 submitters: Benign (5). Last evaluated 2026-02-04.

Conditions:
Immunodeficiency 39 (IMD39). Identifiers: Orphanet 574918, MedGen C4225358, MONDO:0014597, OMIM 616345.

Allele frequency attached by ClinVar (database versions not stated): 1000 Genomes Project 0.27556; 1000 Genomes Project 30x 0.28560; gnomAD exomes 0.24918 and 0.26423; gnomAD 0.32566 and 0.33779; TOPMed 0.34550; ESP Exome Variant Server 0.36142; ExAC 0.25409.
gnomAD v4.1: 429,084 of 1,587,108 alleles (27%); highest among the groups gnomAD compares: African/African-American, 52%; 63,213 homozygotes.

Submissions (5):

Labcorp Genetics (formerly Invitae), Labcorp
Classification: Benign for Immunodeficiency 39. Last evaluated: 2026-02-04. Review status: criteria provided, single submitter. Criteria: Invitae Variant Classification Sherloc (09022015). Collection method: clinical testing. Allele origin: germline.

Mayo Clinic Laboratories, Mayo Clinic
Classification: Benign. Last evaluated: 2025-08-22. Review status: criteria provided, single submitter. Criteria: ACMG Guidelines, 2015. Collection method: clinical testing. Allele origin: germline. Observed: 3 variant alleles.
Comment: BA1

Unidad de Genómica Garrahan, Hospital de Pediatría Garrahan
Classification: Benign. Last evaluated: 2024-01-24. Review status: criteria provided, single submitter. Criteria: ACMG Guidelines, 2015. Collection method: clinical testing. Allele origin: germline. Affected: no. Observed: 56 variant alleles.
Comment: This variant is classified as Benign based on local population frequency. This variant was detected in 59% of patients studied by a panel of primary immunodeficiencies. Number of patients: 56. Only high quality variants are reported.

Genome-Nilou Lab
Classification: Benign for Immunodeficiency 39. Last evaluated: 2021-07-14. Review status: criteria provided, single submitter. Criteria: ACMG Guidelines, 2015. Collection method: clinical testing. Allele origin: germline. Affected: no.

Breakthrough Genomics
Classification: Benign. Review status: criteria provided, single submitter. Criteria: ACMG Guidelines, 2015. Collection method: not provided. Allele origin: germline. Inheritance: Autosomal recessive inheritance. Affected: yes.